The following is an entry in ClinVar:

NM_004370.6(COL12A1):c.5939T>A (p.Ile1980Lys)

Gene: COL12A1 (collagen type XII alpha 1 chain; minus strand). Cytogenetic location: 6q13.
Variant type: single nucleotide variant.
Coding change: c.5939T>A on transcript NM_004370.6 (MANE Select); coding-DNA position 5939, T replaced by A.
Protein change: p.Ile1980Lys; replaces isoleucine 1980 with lysine.
Molecular consequence: missense variant.
Genome position (GRCh38, 1-based): chr6:75,130,980, A>T on the plus strand (T>A on the coding strand, the complement: COL12A1 is on the minus strand). VCF-style: chr6-75130980-A-T. GRCh37 (hg19) VCF-style: chr6-75840696-A-T.
Other names: c.5939T>A, p.Ile1980Lys (NM_001424113.1); c.5918T>A, p.Ile1973Lys (NM_001424114.1); c.5666T>A, p.Ile1889Lys (NM_001424115.1); c.2447T>A, p.Ile816Lys (NM_001424116.1, NM_080645.3); short protein forms I1980K, I816K, I1889K, I1973K.
Identifiers: ClinVar variation 2926615 (VCV002926615.4), dbSNP rs540867293, ClinGen allele CA364732560.

ClinVar aggregate classification (germline): Uncertain significance. Review status: criteria provided, multiple submitters, no conflicts (2 of 4 stars). 2 submissions from 2 submitters: Uncertain significance (2). Last evaluated 2026-04-15.

Conditions:
Bethlem myopathy 2 (BTHLM2). Identifiers: Orphanet 536516, Orphanet 610, MedGen C4225313, MONDO:0034022, OMIM 616471.
Ullrich congenital muscular dystrophy 2 (UCMD2). Identifiers: Orphanet 75840, MedGen C4225314, MONDO:0014654, OMIM 616470.

gnomAD v4.1: 1 of 1,614,136 alleles (0.000062%); highest among the groups gnomAD compares: Non-Finnish European, 0.000085%; no homozygotes.

Submissions (2):

Women's Health and Genetics/Laboratory Corporation of America, LabCorp
Classification: Uncertain significance. Last evaluated: 2026-04-15. Review status: criteria provided, single submitter. Criteria: LabCorp Variant Classification Summary - May 2015. Collection method: clinical testing. Allele origin: germline.
Comment: Variant summary: COL12A1 c.5939T>A (p.Ile1980Lys) results in a non-conservative amino acid change in the encoded protein sequence. Algorithms developed to predict the effect of missense changes on protein structure and function are either unavailable or do not agree on the potential impact of this missense change. Consensus agreement among computation tools predict no significant impact on normal splicing. However, these predictions have yet to be confirmed by functional studies. The variant was absent in 249412 control chromosomes. The available data on variant occurrences in the general population are insufficient to allow any conclusion about variant significance. To our knowledge, no occurrence of c.5939T>A in individuals affected with COL12A1-related conditions and no experimental evidence demonstrating its impact on protein function have been reported. ClinVar contains an entry for this variant (Variation ID: 2926615). Based on the evidence outlined above, the variant was classified as uncertain significance.

Labcorp Genetics (formerly Invitae), Labcorp
Classification: Uncertain significance for Bethlem myopathy 2; Ullrich congenital muscular dystrophy 2. Last evaluated: 2025-05-18. Review status: criteria provided, single submitter. Criteria: Invitae Variant Classification Sherloc (09022015). Collection method: clinical testing. Allele origin: germline.
Comment: This sequence change replaces isoleucine, which is neutral and non-polar, with lysine, which is basic and polar, at codon 1980 of the COL12A1 protein (p.Ile1980Lys). This variant is not present in population databases (gnomAD no frequency). This variant has not been reported in the literature in individuals affected with COL12A1-related conditions. ClinVar contains an entry for this variant (Variation ID: 2926615). An algorithm developed to predict the effect of missense changes on protein structure and function (PolyPhen-2) suggests that this variant is likely to be disruptive. In summary, the available evidence is currently insufficient to determine the role of this variant in disease. Therefore, it has been classified as a Variant of Uncertain Significance.